The following is an entry in ClinVar:

NM_000138.5(FBN1):c.5129T>A (p.Leu1710Ter)

Gene: FBN1 (fibrillin 1; minus strand). Cytogenetic location: 15q21.1.
Variant type: single nucleotide variant.
Coding change: c.5129T>A on transcript NM_000138.5 (MANE Select); coding-DNA position 5129, T replaced by A.
Protein change: p.Leu1710Ter; replaces leucine 1710 with a stop codon.
Molecular consequence: nonsense.
Genome position (GRCh38, 1-based): chr15:48,463,177, A>T on the plus strand (T>A on the coding strand, the complement: FBN1 is on the minus strand). VCF-style: chr15-48463177-A-T. GRCh37 (hg19) VCF-style: chr15-48755374-A-T.
Other names: c.5129T>A, p.Leu1710Ter (NM_001406716.1); short protein forms L1710*.
Identifiers: ClinVar variation 3513549 (VCV003513549.1).

ClinVar aggregate classification (germline): Pathogenic (1 of 4 stars; one submission).

Conditions:
Familial thoracic aortic aneurysm and aortic dissection (TAAD). Also called: Thoracic aortic aneurysms and dissections. Identifiers: Orphanet 91387, MedGen C4707243, MONDO:0019625.

Submission:

Ambry Genetics
Classification: Pathogenic for Familial thoracic aortic aneurysm and aortic dissection. Last evaluated: 2024-10-31. Review status: criteria provided, single submitter. Criteria: Ambry Variant Classification Scheme 2023. Collection method: clinical testing. Allele origin: germline.
Comment: The p.L1710* pathogenic mutation (also known as c.5129T>A), located in coding exon 41 of the FBN1 gene, results from a T to A substitution at nucleotide position 5129. This changes the amino acid from a leucine to a stop codon within coding exon 41. This variant is considered to be rare based on population cohorts in the Genome Aggregation Database (gnomAD). This alteration is expected to result in loss of function by premature protein truncation or nonsense-mediated mRNA decay. As such, this alteration is interpreted as a disease-causing mutation.